The following is an entry in ClinVar:

ClinVar aggregate classification (germline): Uncertain significance. Review status: criteria provided, multiple submitters, no conflicts (2 of 4 stars). 3 submissions from 3 submitters: Uncertain significance (3). Last evaluated 2023-12-12.

Conditions:
Sphingolipid activator protein 1 deficiency. Also called: Metachromatic leukodystrophy due to saposin B deficiency; METACHROMATIC LEUKODYSTROPHY DUE TO CEREBROSIDE SULFATASE ACTIVATOR DEFICIENCY; Saposin B Deficiency. Identifiers: Orphanet 512, MedGen C0268262, MONDO:0009590, OMIM 249900.

Allele frequency attached by ClinVar (database versions not stated): gnomAD exomes 0.00004 and 0.00001; gnomAD 0.00001; ExAC 0.00002.
gnomAD v4.1: 57 of 1,613,964 alleles (0.0035%); highest among the groups gnomAD compares: Middle Eastern, 0.017%; no homozygotes.

Submissions (3):

Women's Health and Genetics/Laboratory Corporation of America, LabCorp
Classification: Uncertain significance. Last evaluated: 2023-12-12. Review status: criteria provided, single submitter. Criteria: LabCorp Variant Classification Summary - May 2015. Collection method: clinical testing. Allele origin: germline.

Mayo Clinic Laboratories, Mayo Clinic
Classification: Uncertain significance. Last evaluated: 2022-01-11. Review status: criteria provided, single submitter. Criteria: ACMG Guidelines, 2015. Collection method: clinical testing. Allele origin: germline.

Labcorp Genetics (formerly Invitae), Labcorp
Classification: Uncertain significance for Sphingolipid activator protein 1 deficiency. Last evaluated: 2021-09-24. Review status: criteria provided, single submitter. Criteria: Invitae Variant Classification Sherloc (09022015). Collection method: clinical testing. Allele origin: germline.
Comment: This sequence change falls in intron 11 of the PSAP gene. It does not directly change the encoded amino acid sequence of the PSAP protein, but it affects a nucleotide within the consensus splice site of the intron. This variant is present in population databases (rs769353440, ExAC 0.006%). This variant has not been reported in the literature in individuals affected with PSAP-related conditions. Algorithms developed to predict the effect of sequence changes on RNA splicing suggest that this variant is not likely to affect RNA splicing. In summary, the available evidence is currently insufficient to determine the role of this variant in disease. Therefore, it has been classified as a Variant of Uncertain Significance.

NM_002778.4(PSAP):c.1350+4C>T

Gene: PSAP (prosaposin; minus strand). Cytogenetic location: 10q22.1.
Variant type: single nucleotide variant.
Coding change: c.1350+4C>T on transcript NM_002778.4 (MANE Select); 4 bases into the intron after coding-DNA position 1350, C replaced by T.
Molecular consequence: intron variant.
Genome position (GRCh38, 1-based): chr10:71,819,461, G>A on the plus strand (C>T on the coding strand, the complement: PSAP is on the minus strand). VCF-style: chr10-71819461-G-A. GRCh37 (hg19) VCF-style: chr10-73579218-G-A.
Other names: c.1356+4C>T (NM_001042466.3); c.1359+4C>T (NM_001042465.3).
Identifiers: ClinVar variation 1694038 (VCV001694038.7), dbSNP rs769353440, ClinGen allele CA5547394.